The following is an entry in ClinVar:

ClinVar aggregate classification (germline): Uncertain significance (1 of 4 stars; one submission).

Allele frequency attached by ClinVar (database versions not stated): gnomAD exomes below 0.00001; TOPMed below 0.00001; gnomAD 0.00001.
gnomAD v4.1: 4 of 1,613,560 alleles (0.00025%); highest among the groups gnomAD compares: Non-Finnish European, 0.00034%; no homozygotes.

Submission:

Ambry Genetics
Classification: Uncertain significance. Last evaluated: 2024-01-06. Review status: criteria provided, single submitter. Criteria: Ambry Variant Classification Scheme 2023. Collection method: clinical testing. Allele origin: germline.
Comment: The p.N286S variant (also known as c.857A>G), located in coding exon 6 of the BUB3 gene, results from an A to G substitution at nucleotide position 857. The asparagine at codon 286 is replaced by serine, an amino acid with highly similar properties. This amino acid position is conserved. In addition, this alteration is predicted to be tolerated by in silico analysis. Since supporting evidence is limited at this time, the clinical significance of this alteration remains unclear.

NM_004725.4(BUB3):c.857A>G (p.Asn286Ser)

Gene: BUB3 (BUB3 mitotic checkpoint protein; plus strand). Cytogenetic location: 10q26.13.
Variant type: single nucleotide variant.
Coding change: c.857A>G on transcript NM_004725.4 (MANE Select); coding-DNA position 857, A replaced by G.
Protein change: p.Asn286Ser; replaces asparagine 286 with serine.
Molecular consequence: missense variant.
Genome position (GRCh38, 1-based): chr10:123,162,714, A>G. VCF-style: chr10-123162714-A-G. GRCh37 (hg19) VCF-style: chr10-124922230-A-G.
Other names: c.857A>G, p.Asn286Ser (NM_001007793.3); short protein forms N286S.
Identifiers: ClinVar variation 1763903 (VCV001763903.2), dbSNP rs1419700438, ClinGen allele CA378627070.